The following is an entry in ClinVar:

NM_001320.7(CSNK2B):c.367+4A>G

Gene: CSNK2B (casein kinase 2 beta; plus strand). Cytogenetic location: 6p21.33.
Variant type: single nucleotide variant.
Coding change: c.367+4A>G on transcript NM_001320.7 (MANE Select); 4 bases into the intron after coding-DNA position 367, A replaced by G.
Molecular consequence: intron variant.
Genome position (GRCh38, 1-based): chr6:31,669,176, A>G. VCF-style: chr6-31669176-A-G. GRCh37 (hg19) VCF-style: chr6-31636953-A-G.
Other names: c.367+4A>G (NM_001282385.2).
Identifiers: ClinVar variation 4532611 (VCV004532611.1).
Genomic context (GRCh38, chr6:31,669,176, plus strand): 5'-GAGACTTTGGTTACTGTCCTCGTGTGTACTGTGAGAACCAGCCAATGCTTCCCATTGGTG[A>G]GTGTTGAAGAAGGGAAAGGAAAGCACCGTGTGGCAGTCTTATGGGAAGGAGTTGGGGCTC-3'

ClinVar aggregate classification (germline): Uncertain significance (1 of 4 stars; one submission).

Submission:

GeneDx
Classification: Uncertain significance. Last evaluated: 2025-05-27. Review status: criteria provided, single submitter. Criteria: GeneDx Variant Classification Process June 2021. Collection method: clinical testing. Allele origin: germline. Affected: yes.
Comment: Not observed at significant frequency in large population cohorts (gnomAD); Has not been previously published as pathogenic or benign to our knowledge; In silico analysis is inconclusive as to whether the variant alters gene splicing. In the absence of RNA/functional studies, the actual effect of this sequence change is unknown.